The following is an entry in ClinVar:

ClinVar aggregate classification (germline): Uncertain significance. Review status: criteria provided, multiple submitters, no conflicts (2 of 4 stars). 5 submissions from 5 submitters: Uncertain significance (5). Last evaluated 2025-05-02.

Conditions:
NEK8-related disorder. Also called: NEK8-related condition.
Nephronophthisis 9 (NPHP9). Identifiers: Orphanet 655, MedGen C3151188, MONDO:0013444, OMIM 613824.
Polycystic kidney disease 8. Identifiers: MedGen C5935640, MONDO:0971178, OMIM 620903.
Renal-hepatic-pancreatic dysplasia 2 (RHPD2). Identifiers: MedGen C3809434, MONDO:0014174, OMIM 615415.
Inborn genetic diseases. Identifiers: MedGen C0950123, MeSH D030342.

Allele frequency attached by ClinVar (database versions not stated): gnomAD exomes 0.00003 and 0.00010; TOPMed 0.00003; gnomAD 0.00004; ExAC 0.00005; 1000 Genomes Project 30x 0.00016; ESP Exome Variant Server 0.00016; 1000 Genomes Project 0.00020.
gnomAD v4.1: 148 of 1,551,608 alleles (0.0095%); highest among the groups gnomAD compares: Non-Finnish European, 0.012%; no homozygotes.

Submissions (5):

Labcorp Genetics (formerly Invitae), Labcorp
Classification: Uncertain significance for Nephronophthisis 9. Last evaluated: 2025-05-02. Review status: criteria provided, single submitter. Criteria: Invitae Variant Classification Sherloc (09022015). Collection method: clinical testing. Allele origin: germline.
Comment: This sequence change replaces arginine, which is basic and polar, with glycine, which is neutral and non-polar, at codon 8 of the NEK8 protein (p.Arg8Gly). This variant is present in population databases (rs199621354, gnomAD 0.006%). This variant has not been reported in the literature in individuals affected with NEK8-related conditions. ClinVar contains an entry for this variant (Variation ID: 943025). An algorithm developed to predict the effect of missense changes on protein structure and function (PolyPhen-2) suggests that this variant is likely to be disruptive. In summary, the available evidence is currently insufficient to determine the role of this variant in disease. Therefore, it has been classified as a Variant of Uncertain Significance.

PreventionGenetics, part of Exact Sciences
Classification: Uncertain significance for NEK8-related condition. Last evaluated: 2024-12-10. Review status: criteria provided, single submitter. Criteria: ACMG Guidelines, 2015. Collection method: clinical testing. Allele origin: germline.
Comment: The NEK8 c.22C>G variant is predicted to result in the amino acid substitution p.Arg8Gly. To our knowledge, this variant has not been reported in the literature. This variant is reported in 0.0066% of alleles in individuals of European (Non-Finnish) descent in gnomAD. At this time, the clinical significance of this variant is uncertain due to the absence of conclusive functional and genetic evidence.

Ambry Genetics
Classification: Uncertain significance for Inborn genetic diseases. Last evaluated: 2024-11-27. Review status: criteria provided, single submitter. Criteria: Ambry Variant Classification Scheme 2023. Collection method: clinical testing. Allele origin: germline.

Blueprint Genetics
Classification: Uncertain significance. Last evaluated: 2024-05-08. Review status: criteria provided, single submitter. Criteria: ACMG Guidelines, 2015. Collection method: clinical testing. Allele origin: germline.

Fulgent Genetics
Classification: Uncertain significance for Nephronophthisis 9; Renal-hepatic-pancreatic dysplasia 2; Polycystic kidney disease 8. Last evaluated: 2024-01-10. Review status: criteria provided, single submitter. Criteria: ACMG Guidelines, 2015. Collection method: clinical testing. Allele origin: germline.

NM_178170.3(NEK8):c.22C>G (p.Arg8Gly)

Gene: NEK8 (NIMA related kinase 8; plus strand). Cytogenetic location: 17q11.2.
Variant type: single nucleotide variant.
Coding change: c.22C>G on transcript NM_178170.3 (MANE Select); coding-DNA position 22, C replaced by G.
Protein change: p.Arg8Gly; replaces arginine 8 with glycine.
Molecular consequence: missense variant.
Genome position (GRCh38, 1-based): chr17:28,728,835, C>G. VCF-style: chr17-28728835-C-G. GRCh37 (hg19) VCF-style: chr17-27055853-C-G.
Other names: short protein forms R8G.
Identifiers: ClinVar variation 943025 (VCV000943025.12), dbSNP rs199621354, ClinGen allele CA8466996.